The following is an entry in ClinVar:

NM_001201550.3(CFHR4):c.1661A>G (p.Tyr554Cys)

Gene: CFHR4 (complement factor H related 4; plus strand). Cytogenetic location: 1q31.3.
Variant type: single nucleotide variant.
Coding change: c.1661A>G on transcript NM_001201550.3 (MANE Select); coding-DNA position 1661, A replaced by G.
Protein change: p.Tyr554Cys; replaces tyrosine 554 with cysteine.
Molecular consequence: missense variant.
Genome position (GRCh38, 1-based): chr1:196,918,330, A>G. VCF-style: chr1-196918330-A-G. GRCh37 (hg19) VCF-style: chr1-196887460-A-G.
Other names: c.1658A>G, p.Tyr553Cys (NM_001201551.2); c.920A>G, p.Tyr307Cys (NM_006684.5); short protein forms Y307C, Y553C, Y554C.
Identifiers: ClinVar variation 3902483 (VCV003902483.1).

ClinVar aggregate classification (germline): Uncertain significance (1 of 4 stars; one submission).

Submission:

Women's Health and Genetics/Laboratory Corporation of America, LabCorp
Classification: Uncertain significance. Last evaluated: 2025-05-06. Review status: criteria provided, single submitter. Criteria: LabCorp Variant Classification Summary - May 2015. Collection method: clinical testing. Allele origin: germline.
Comment: Variant summary: CFHR4 c.1661A>G (p.Tyr554Cys) results in a non-conservative amino acid change in the encoded protein sequence. Algorithms developed to predict the effect of missense changes on protein structure and function are either unavailable or do not agree on the potential impact of this missense change. The variant was absent in 251270 control chromosomes. The available data on variant occurrences in the general population are insufficient to allow any conclusion about variant significance. To our knowledge, no occurrence of c.1661A>G in individuals affected with Genetic Atypical Hemolytic Uremic Syndrome and no experimental evidence demonstrating its impact on protein function have been reported. No submitters have cited clinical-significance assessments for this variant to ClinVar. Based on the evidence outlined above, the variant was classified as uncertain significance.